The following is an entry in ClinVar:

ClinVar aggregate classification (germline): Uncertain significance. Review status: criteria provided, multiple submitters, no conflicts (2 of 4 stars). 2 submissions from 2 submitters: Uncertain significance (2). Last evaluated 2024-09-18.

Conditions:
Inborn genetic diseases. Identifiers: MedGen C0950123, MeSH D030342.

Allele frequency attached by ClinVar (database versions not stated): gnomAD 0.00004; gnomAD exomes 0.00004; TOPMed 0.00004; ExAC 0.00007; ESP Exome Variant Server 0.00008.
gnomAD v4.1: 65 of 1,608,086 alleles (0.004%); highest among the groups gnomAD compares: Non-Finnish European, 0.0052%; no homozygotes.

Submissions (2):

Labcorp Genetics (formerly Invitae), Labcorp
Classification: Uncertain significance. Last evaluated: 2024-09-18. Review status: criteria provided, single submitter. Criteria: Invitae Variant Classification Sherloc (09022015). Collection method: clinical testing. Allele origin: germline.
Comment: This sequence change replaces glutamic acid, which is acidic and polar, with alanine, which is neutral and non-polar, at codon 735 of the MYSM1 protein (p.Glu735Ala). This variant is present in population databases (rs369239315, gnomAD 0.01%). This variant has not been reported in the literature in individuals affected with MYSM1-related conditions. ClinVar contains an entry for this variant (Variation ID: 2217400). Invitae Evidence Modeling of protein sequence and biophysical properties (such as structural, functional, and spatial information, amino acid conservation, physicochemical variation, residue mobility, and thermodynamic stability) indicates that this missense variant is expected to disrupt MYSM1 protein function with a positive predictive value of 80%. In summary, the available evidence is currently insufficient to determine the role of this variant in disease. Therefore, it has been classified as a Variant of Uncertain Significance.

Ambry Genetics
Classification: Uncertain significance for Inborn genetic diseases. Last evaluated: 2022-10-26. Review status: criteria provided, single submitter. Criteria: Ambry Variant Classification Scheme 2023. Collection method: clinical testing. Allele origin: germline.

NM_001085487.3(MYSM1):c.2204A>C (p.Glu735Ala)

Gene: MYSM1 (Myb like, SWIRM and MPN domains 1; minus strand). Cytogenetic location: 1p32.1.
Variant type: single nucleotide variant.
Coding change: c.2204A>C on transcript NM_001085487.3 (MANE Select); coding-DNA position 2204, A replaced by C.
Protein change: p.Glu735Ala; replaces glutamic acid 735 with alanine.
Molecular consequence: missense variant.
Genome position (GRCh38, 1-based): chr1:58,661,472, T>G on the plus strand (A>C on the coding strand, the complement: MYSM1 is on the minus strand). VCF-style: chr1-58661472-T-G. GRCh37 (hg19) VCF-style: chr1-59127144-T-G.
Other names: short protein forms E735A.
Identifiers: ClinVar variation 2217400 (VCV002217400.3), dbSNP rs369239315, ClinGen allele CA877589.